The following is an entry in ClinVar:

ClinVar aggregate classification (germline): Conflicting classifications of pathogenicity. Review status: criteria provided, conflicting classifications (1 of 4 stars). 2 submissions from 2 submitters: Uncertain significance (1); Likely benign (1). Last evaluated 2024-10-24.

Conditions:
Macrocephaly, dysmorphic facies, and psychomotor retardation (MDFPMR). Identifiers: Orphanet 457359, MedGen C4310766, MONDO:0014863, OMIM 617011.

Allele frequency attached by ClinVar (database versions not stated): gnomAD 0.00001; gnomAD exomes 0.00001 and 0.00003; TOPMed 0.00002.
gnomAD v4.1: 10 of 1,550,320 alleles (0.00065%); highest among the groups gnomAD compares: Admixed American, 0.0098%; no homozygotes.

Submissions (2):

Labcorp Genetics (formerly Invitae), Labcorp
Classification: Likely benign. Last evaluated: 2024-10-24. Review status: criteria provided, single submitter. Criteria: Invitae Variant Classification Sherloc (09022015). Collection method: clinical testing. Allele origin: germline.

Baylor Genetics
Classification: Uncertain significance for Macrocephaly, dysmorphic facies, and psychomotor retardation. Last evaluated: 2018-04-13. Review status: criteria provided, single submitter. Criteria: ACMG Guidelines, 2015. Collection method: clinical testing. Allele origin: maternal. Affected: yes.
Comment: This variant was determined to be of uncertain significance according to ACMG Guidelines, 2015 [PMID:25741868].

NM_003922.4(HERC1):c.2319C>T (p.Asn773=)

Gene: HERC1 (HECT and RLD domain containing E3 ubiquitin protein ligase family member 1; minus strand). Cytogenetic location: 15q22.31.
Variant type: single nucleotide variant.
Coding change: c.2319C>T on transcript NM_003922.4 (MANE Select); coding-DNA position 2319, C replaced by T.
Protein change: p.Asn773=; no amino-acid change (asparagine 773 retained).
Molecular consequence: synonymous variant.
Genome position (GRCh38, 1-based): chr15:63,747,759, G>A on the plus strand (C>T on the coding strand, the complement: HERC1 is on the minus strand). VCF-style: chr15-63747759-G-A. GRCh37 (hg19) VCF-style: chr15-64039958-G-A.
Identifiers: ClinVar variation 795963 (VCV000795963.7), dbSNP rs901441145, ClinGen allele CA272105199.